The following is an entry in ClinVar:

NM_025179.4(PLXNA2):c.288G>A (p.Pro96=)

Gene: PLXNA2 (plexin A2; minus strand). Cytogenetic location: 1q32.2.
Variant type: single nucleotide variant.
Coding change: c.288G>A on transcript NM_025179.4 (MANE Select); coding-DNA position 288, G replaced by A.
Protein change: p.Pro96=; no amino-acid change (proline 96 retained).
Molecular consequence: synonymous variant.
Genome position (GRCh38, 1-based): chr1:208,217,635, C>T on the plus strand (G>A on the coding strand, the complement: PLXNA2 is on the minus strand). VCF-style: chr1-208217635-C-T. GRCh37 (hg19) VCF-style: chr1-208390980-C-T.
Identifiers: ClinVar variation 3030175 (VCV003030175.2), dbSNP rs148386352, ClinGen allele CA1374097.

ClinVar aggregate classification (germline): Likely benign (0 of 4 stars; one submission).

Conditions:
PLXNA2-related disorder. Also called: PLXNA2-related condition.

gnomAD v4.1: 31 of 1,614,012 alleles (0.0019%); highest among the groups gnomAD compares: South Asian, 0.0066%; no homozygotes.

Submission:

PreventionGenetics, part of Exact Sciences
Classification: Likely benign for PLXNA2-related condition. Last evaluated: 2024-02-07. Review status: no assertion criteria provided. Collection method: clinical testing. Allele origin: germline.
Comment: This variant is classified as likely benign based on ACMG/AMP sequence variant interpretation guidelines (Richards et al. 2015 PMID: 25741868, with internal and published modifications).